The following is an entry in ClinVar:

ClinVar aggregate classification (germline): Conflicting classifications of pathogenicity. Review status: criteria provided, conflicting classifications (1 of 4 stars). 2 submissions from 2 submitters: Uncertain significance (1); Likely benign (1). Last evaluated 2025-12-31.

gnomAD v4.1: 18 of 1,572,106 alleles (0.0011%); highest among the groups gnomAD compares: Non-Finnish European, 0.0015%; no homozygotes.

Submissions (2):

Labcorp Genetics (formerly Invitae), Labcorp
Classification: Uncertain significance. Last evaluated: 2025-12-31. Review status: criteria provided, single submitter. Criteria: Invitae Variant Classification Sherloc (09022015). Collection method: clinical testing. Allele origin: germline.
Comment: This sequence change replaces glycine, which is neutral and non-polar, with arginine, which is basic and polar, at codon 70 of the RELB protein (p.Gly70Arg). This variant is not present in population databases (gnomAD no frequency). This variant has not been reported in the literature in individuals affected with RELB-related conditions. ClinVar contains an entry for this variant (Variation ID: 3432000). An algorithm developed to predict the effect of missense changes on protein structure and function outputs the following: PolyPhen-2: "Benign". The arginine amino acid residue is found in multiple mammalian species, which suggests that this missense change does not adversely affect protein function. In summary, the available evidence is currently insufficient to determine the role of this variant in disease. Therefore, it has been classified as a Variant of Uncertain Significance.

Ambry Genetics
Classification: Likely benign. Last evaluated: 2024-06-25. Review status: criteria provided, single submitter. Criteria: Ambry Variant Classification Scheme 2023. Collection method: clinical testing. Allele origin: germline.

NM_006509.4(RELB):c.208G>A (p.Gly70Arg)

Gene: RELB (RELB proto-oncogene, NF-kB subunit; plus strand). Cytogenetic location: 19q13.32.
Variant type: single nucleotide variant.
Coding change: c.208G>A on transcript NM_006509.4 (MANE Select); coding-DNA position 208, G replaced by A.
Protein change: p.Gly70Arg; replaces glycine 70 with arginine.
Molecular consequence: missense variant.
Genome position (GRCh38, 1-based): chr19:45,011,980, G>A. VCF-style: chr19-45011980-G-A. GRCh37 (hg19) VCF-style: chr19-45515238-G-A.
Other names: c.199G>A, p.Gly67Arg (NM_001411087.1); short protein forms G70R, G67R.
Identifiers: ClinVar variation 3432000 (VCV003432000.2).